The following is an entry in ClinVar:

NM_001375524.1(TRRAP):c.923A>T (p.Gln308Leu)

Gene: TRRAP (transformation/transcription domain associated protein; plus strand). Cytogenetic location: 7q22.1.
Variant type: single nucleotide variant.
Coding change: c.923A>T on transcript NM_001375524.1 (MANE Select); coding-DNA position 923, A replaced by T.
Protein change: p.Gln308Leu; replaces glutamine 308 with leucine.
Molecular consequence: missense variant.
Genome position (GRCh38, 1-based): chr7:98,903,404, A>T. VCF-style: chr7-98903404-A-T. GRCh37 (hg19) VCF-style: chr7-98501027-A-T.
Other names: c.923A>T, p.Gln308Leu (NM_001244580.2, NM_003496.4); short protein forms Q308L.
Identifiers: ClinVar variation 3777443 (VCV003777443.1).
Genomic context (GRCh38, chr7:98,903,404, plus strand): 5'-CCCTGTAACTGTGTCATCTCACTCTGTTCTTACAGGAGTTGGTGACTAAGTATTCTCAGC[A>T]GATGGTGAAAGGAATGCTCCAGTTACTTTCAAATTGTCCAGCAGAGACTGCACACCTCAG-3'
Protein context (NP_001362453.1, residues 298-318): YQELVTKYSQ[Gln308Leu]MVKGMLQLLS

ClinVar aggregate classification (germline): Uncertain significance (1 of 4 stars; one submission).

Submission:

GeneDx
Classification: Uncertain significance. Last evaluated: 2024-10-08. Review status: criteria provided, single submitter. Criteria: GeneDx Variant Classification Process June 2021. Collection method: clinical testing. Allele origin: germline. Affected: yes.
Comment: Not observed at significant frequency in large population cohorts (gnomAD); In silico analysis supports that this missense variant has a deleterious effect on protein structure/function; Has not been previously published as pathogenic or benign to our knowledge